The following is an entry in ClinVar:

NC_000023.11:g.(?_38381322)_(38413090_?)del

Gene: OTC (ornithine transcarbamylase; plus strand). Cytogenetic location: Xp11.4.
Variant type: Deletion.
Identifiers: ClinVar variation 583414 (VCV000583414.1).

ClinVar aggregate classification (germline): Pathogenic (1 of 4 stars; one submission).

Conditions:
Ornithine carbamoyltransferase deficiency (OTCD). Also called: ORNITHINE TRANSCARBAMYLASE DEFICIENCY, HYPERAMMONEMIA DUE TO; ORNITHINE TRANSCARBAMYLASE DEFICIENCY; Ornithine Carbamoyltransferase Deficiency Disease; OTC DEFICIENCY. Identifiers: Orphanet 664, MedGen C0268542, MONDO:0010703, OMIM 311250.

Submission:

Labcorp Genetics (formerly Invitae), Labcorp
Classification: Pathogenic for Ornithine carbamoyltransferase deficiency. Last evaluated: 2018-03-15. Review status: criteria provided, single submitter. Criteria: Invitae Variant Classification Sherloc (09022015). Collection method: clinical testing. Allele origin: germline.
Comment: This variant is an out-of-frame deletion of the genomic region encompassing exons 4-9 of the OTC gene. This is expected to create a premature translational stop signal and result in an absent or disrupted protein product. A similar deletion of exons 4-9 has been reported in an individual affected with ornithine transcarbamylase (OTC) deficiency (PMID: 18440262). Loss-of-function variants in OTC are known to be pathogenic (PMID: 10946359, 16786505). For these reasons, this variant has been classified as Pathogenic.

Literature cited by the submitters: PubMed 18440262.